The following is an entry in ClinVar:

NM_002227.4(JAK1):c.1793A>G (p.Tyr598Cys)

Genes: JAK1 (Janus kinase 1; minus strand), LOC126805749 (BRD4-independent group 4 enhancer GRCh37_chr1:65312286-65313485; plus strand). Cytogenetic location: 1p31.3.
Variant type: single nucleotide variant.
Coding change: c.1793A>G on transcript NM_002227.4 (MANE Select); coding-DNA position 1793, A replaced by G.
Protein change: p.Tyr598Cys; replaces tyrosine 598 with cysteine.
Molecular consequence: missense variant.
Genome position (GRCh38, 1-based): chr1:64,847,638, T>C on the plus strand (A>G on the coding strand, the complement: JAK1 is on the minus strand). VCF-style: chr1-64847638-T-C. GRCh37 (hg19) VCF-style: chr1-65313321-T-C.
Other names: p.Tyr598Cys; c.1793A>G, p.Tyr598Cys (NM_001320923.2, NM_001321852.2, NM_001321853.2 and 3 more transcripts); c.1790A>G, p.Tyr597Cys (NM_001321857.2); short protein forms Y598C, Y597C.
Identifiers: ClinVar variation 1420211 (VCV001420211.10), dbSNP rs374269002, ClinGen allele CA892833.

ClinVar aggregate classification (germline): Uncertain significance. Review status: criteria provided, multiple submitters, no conflicts (2 of 4 stars). 4 submissions from 4 submitters: Uncertain significance (4). Last evaluated 2026-08-06.

Conditions:
Autoinflammation, immune dysregulation, and eosinophilia. Also called: ATOPIC DERMATITIS, ENTERITIS, COLITIS, AND EOSINOPHILIA. Identifiers: MedGen C5436572, MONDO:0033558, OMIM 618999.

Allele frequency attached by ClinVar (database versions not stated): gnomAD exomes 0.00004 and 0.00001; TOPMed 0.00022; ExAC 0.00002; gnomAD 0.00021 and 0.00019; ESP Exome Variant Server 0.00008.
gnomAD v4.1: 49 of 1,613,996 alleles (0.003%); highest among the groups gnomAD compares: African/African-American, 0.057%; no homozygotes.

Submissions (4):

OLLIN Analises Genomicas, OLLIN
Classification: Uncertain significance for Autoinflammation, immune dysregulation, and eosinophilia. Last evaluated: 2026-08-06. Review status: criteria provided, single submitter. Criteria: ACMG Guidelines 2015 PMID 25741868. Collection method: clinical testing. Allele origin: germline. Inheritance: Autosomal dominant inheritance.
Comment: This missense variant, located in exon 13 (of 25), has been reported in ClinVar (accession VCV001420211.8) and in gnomAD with an allele frequency of 0.00304%. However, to our knowledge, it has not been reported in the scientific literature. In silico analysis is inconclusive regarding the impact of this variant. According to the currently available evidence, this variant has been classified as uncertain significance (BS1).

Labcorp Genetics (formerly Invitae), Labcorp
Classification: Uncertain significance. Last evaluated: 2025-08-24. Review status: criteria provided, single submitter. Criteria: Invitae Variant Classification Sherloc (09022015). Collection method: clinical testing. Allele origin: germline.
Comment: This sequence change replaces tyrosine, which is neutral and polar, with cysteine, which is neutral and slightly polar, at codon 598 of the JAK1 protein (p.Tyr598Cys). This variant is present in population databases (rs374269002, gnomAD 0.06%), and has an allele count higher than expected for a pathogenic variant. This variant has not been reported in the literature in individuals affected with JAK1-related conditions. ClinVar contains an entry for this variant (Variation ID: 1420211). Invitae Evidence Modeling of protein sequence and biophysical properties (such as structural, functional, and spatial information, amino acid conservation, physicochemical variation, residue mobility, and thermodynamic stability) indicates that this missense variant is expected to disrupt JAK1 protein function with a positive predictive value of 80%. In summary, the available evidence is currently insufficient to determine the role of this variant in disease. Therefore, it has been classified as a Variant of Uncertain Significance.

Dasa
Classification: Uncertain significance. Last evaluated: 2025-08-20. Review status: criteria provided, single submitter. Criteria: DASA Assertion Criteria. Collection method: clinical testing. Allele origin: germline.
Comment: NM_002227.4(JAK1):c.1793A>G (p.Tyr598Cys) is a missense variant that results in the substitution of tyrosine with cysteine. This variant is rare in population databases. The currently available literature and clinical evidence are not sufficient to establish a definitive association between this variant and the reported condition. Therefore, this variant is classified as a variant of uncertain significance.

Mayo Clinic Laboratories, Mayo Clinic
Classification: Uncertain significance. Last evaluated: 2025-05-29. Review status: criteria provided, single submitter. Criteria: ACMG Guidelines, 2015. Collection method: clinical testing. Allele origin: germline. Observed: 1 variant allele.
Comment: PP2